The following is an entry in ClinVar:

NM_014112.5(TRPS1):c.461G>A (p.Cys154Tyr)

Gene: TRPS1 (transcriptional repressor GATA binding 1; minus strand). Cytogenetic location: 8q23.3.
Variant type: single nucleotide variant.
Coding change: c.461G>A on transcript NM_014112.5 (MANE Select); coding-DNA position 461, G replaced by A.
Protein change: p.Cys154Tyr; replaces cysteine 154 with tyrosine.
Molecular consequence: missense variant.
Genome position (GRCh38, 1-based): chr8:115,619,637, C>T on the plus strand (G>A on the coding strand, the complement: TRPS1 is on the minus strand). VCF-style: chr8-115619637-C-T. GRCh37 (hg19) VCF-style: chr8-116631864-C-T.
Other names: c.434G>A, p.Cys145Tyr (NM_001282902.3); c.440G>A, p.Cys147Tyr (NM_001282903.3); c.422G>A, p.Cys141Tyr (NM_001330599.2); short protein forms C145Y, C147Y, C154Y, C141Y.
Identifiers: ClinVar variation 1944333 (VCV001944333.5), dbSNP rs2536914987, ClinGen allele CA372069573.

ClinVar aggregate classification (germline): Uncertain significance (1 of 4 stars; one submission).

Conditions:
Trichorhinophalangeal dysplasia type I (TRPS1). Also called: TRPS I; TRICHORHINOPHALANGEAL SYNDROME, TYPE I. Identifiers: Orphanet 77258, MedGen C0432233, MONDO:0008596, OMIM 190350.
Trichorhinophalangeal syndrome, type III (TRPS3). Also called: SUGIO-KAJII SYNDROME. Identifiers: Orphanet 77258, MedGen C1860823, OMIM 190351, MONDO:0008597.

Submission:

Labcorp Genetics (formerly Invitae), Labcorp
Classification: Uncertain significance for Trichorhinophalangeal syndrome, type III; Trichorhinophalangeal dysplasia type I. Last evaluated: 2022-06-16. Review status: criteria provided, single submitter. Criteria: Invitae Variant Classification Sherloc (09022015). Collection method: clinical testing. Allele origin: germline.
Comment: This sequence change replaces cysteine, which is neutral and slightly polar, with tyrosine, which is neutral and polar, at codon 154 of the TRPS1 protein (p.Cys154Tyr). This variant is not present in population databases (gnomAD no frequency). This variant has not been reported in the literature in individuals affected with TRPS1-related conditions. Algorithms developed to predict the effect of missense changes on protein structure and function are either unavailable or do not agree on the potential impact of this missense change (SIFT: "Deleterious"; PolyPhen-2: "Benign"; Align-GVGD: "Class C15"). In summary, the available evidence is currently insufficient to determine the role of this variant in disease. Therefore, it has been classified as a Variant of Uncertain Significance.